The following is an entry in ClinVar:

ClinVar aggregate classification (germline): Benign. Review status: criteria provided, multiple submitters, no conflicts (2 of 4 stars). 4 submissions from 4 submitters: Benign (3). 1 of the submissions does not count toward it. Last evaluated 2026-01-26.

Conditions:
Retinitis pigmentosa 66 (RP66). Identifiers: Orphanet 791, MedGen C3715216, MONDO:0014093, OMIM 615233.
Retinitis pigmentosa (RP). Identifiers: Orphanet 791, MedGen C0035334, MeSH D012174, MONDO:0019200, OMIM 268000. Inheritance: Autosomal dominant, autosomal recessive and X linked inheritance.

Allele frequency attached by ClinVar (database versions not stated): gnomAD exomes 0.00053 and 0.00144; ExAC 0.00198; gnomAD 0.00580 and 0.00618; TOPMed 0.00658; 1000 Genomes Project 30x 0.00718; 1000 Genomes Project 0.00719; ESP Exome Variant Server 0.00784.
gnomAD v4.1: 1,682 of 1,613,894 alleles (0.1%); highest among the groups gnomAD compares: African/African-American, 2%; 19 homozygotes.

Submissions (4):

Labcorp Genetics (formerly Invitae), Labcorp
Classification: Benign. Last evaluated: 2026-01-26. Review status: criteria provided, single submitter. Criteria: Invitae Variant Classification Sherloc (09022015). Collection method: clinical testing. Allele origin: germline.

Illumina Laboratory Services, Illumina
Classification: Benign for Retinitis pigmentosa. Last evaluated: 2017-04-28. Review status: criteria provided, single submitter. Criteria: ICSL Variant Classification Criteria 13 December 2019. Collection method: clinical testing. Allele origin: germline.
Comment: This variant was observed as part of a predisposition screen in an ostensibly healthy population. A literature search was performed for the gene, cDNA change, and amino acid change (where applicable). Publications were found based on this search. The evidence from the literature, in combination with allele frequency data from public databases where available, was sufficient to rule this variant out of causing disease. Therefore, this variant is classified as benign.

Breakthrough Genomics
Classification: Benign. Review status: criteria provided, single submitter. Criteria: ACMG Guidelines, 2015. Collection method: not provided. Allele origin: germline. Inheritance: Autosomal recessive inheritance. Affected: yes.

ClinVar Staff, National Center for Biotechnology Information (NCBI)
Classification: Uncertain significance for Retinitis pigmentosa 66. Last evaluated: 2013-06-27. Review status: no assertion criteria provided. Collection method: literature only. Allele origin: germline. Affected: yes. Not counted in ClinVar's aggregate classification.

Literature cited by the submitters: PubMed 19074801 (cited by Illumina Laboratory Services, Illumina and ClinVar Staff, National Center for Biotechnology Information (NCBI)).

NM_002900.3(RBP3):c.487T>C (p.Ser163Pro)

Gene: RBP3 (retinol binding protein 3; plus strand). Cytogenetic location: 10q11.22.
Variant type: single nucleotide variant.
Coding change: c.487T>C on transcript NM_002900.3 (MANE Select); coding-DNA position 487, T replaced by C.
Protein change: p.Ser163Pro; replaces serine 163 with proline.
Molecular consequence: missense variant.
Genome position (GRCh38, 1-based): chr10:47,348,971, T>C. VCF-style: chr10-47348971-T-C. GRCh37 (hg19) VCF-style: chr10-48390391-A-G.
Other names: short protein forms S163P.
Identifiers: ClinVar variation 208295 (VCV000208295.16), dbSNP rs35686775, ClinGen allele CA350957.